The following is an entry in ClinVar:

NM_005612.5(REST):c.2115C>G (p.Pro705=)

Gene: REST (RE1 silencing transcription factor; plus strand). Cytogenetic location: 4q12.
Variant type: single nucleotide variant.
Coding change: c.2115C>G on transcript NM_005612.5 (MANE Select); coding-DNA position 2115, C replaced by G.
Protein change: p.Pro705=; no amino-acid change (proline 705 retained).
Molecular consequence: synonymous variant.
Genome position (GRCh38, 1-based): chr4:56,930,973, C>G. VCF-style: chr4-56930973-C-G. GRCh37 (hg19) VCF-style: chr4-57797139-C-G.
Other names: c.2115C>G, p.Pro705= (NM_001193508.2, NM_001363453.3).
Identifiers: ClinVar variation 3061089 (VCV003061089.2), dbSNP rs2475851928, ClinGen allele CA439636188.
Genomic context (GRCh38, chr4:56,930,973, plus strand): 5'-GGAGCTGCCTCCTCCCATGGAGACTGCTCAGACGGAGGTTGCCCAAATGGGGCCTGCTCC[C>G]ATGGAACCTGCTCAGATGGAGGTTGCCCAGGTAGAATCTGCTCCCATGCAGGTGGTCCAG-3'
Protein context (NP_005603.3, residues 695-715): QTEVAQMGPA[Pro705=]MEPAQMEVAQ

ClinVar aggregate classification (germline): Likely benign (0 of 4 stars; one submission).

Conditions:
REST-related disorder. Also called: REST-related condition.

Submission:

PreventionGenetics, part of Exact Sciences
Classification: Likely benign for REST-related condition. Last evaluated: 2024-02-07. Review status: no assertion criteria provided. Collection method: clinical testing. Allele origin: germline.
Comment: This variant is classified as likely benign based on ACMG/AMP sequence variant interpretation guidelines (Richards et al. 2015 PMID: 25741868, with internal and published modifications).